The following is an entry in ClinVar:

ClinVar aggregate classification (germline): Benign/Likely benign. Review status: criteria provided, multiple submitters, no conflicts (2 of 4 stars). 3 submissions from 3 submitters: Benign (1); Likely benign (2). Last evaluated 2025-12-21.

Conditions:
Hereditary cancer-predisposing syndrome. Also called: Neoplastic Syndromes, Hereditary; Tumor predisposition; Hereditary Cancer Syndrome; Hereditary neoplastic syndrome. Identifiers: Orphanet 140162, MedGen C0027672, MeSH D009386, MONDO:0015356.
Hereditary nonpolyposis colorectal neoplasms. Identifiers: MedGen C0009405, MeSH D003123.
Lynch syndrome 5 (LYNCH5). Also called: Colorectal cancer, hereditary nonpolyposis, type 5; Hereditary non-polyposis colorectal cancer, type 5. Identifiers: Orphanet 144, MedGen C1833477, MONDO:0013710, OMIM 614350. Disease mechanism: loss of function.

gnomAD v4.1: 5 of 1,614,126 alleles (0.00031%); highest among the groups gnomAD compares: Non-Finnish European, 0.00042%; no homozygotes.

Submissions (3):

Labcorp Genetics (formerly Invitae), Labcorp
Classification: Likely benign for Hereditary nonpolyposis colorectal neoplasms. Last evaluated: 2025-12-21. Review status: criteria provided, single submitter. Criteria: Invitae Variant Classification Sherloc (09022015). Collection method: clinical testing. Allele origin: germline.

Myriad Genetics, Inc.
Classification: Benign for Lynch syndrome 5. Last evaluated: 2024-12-30. Review status: criteria provided, single submitter. Criteria: Myriad Autosomal Dominant, Autosomal Recessive and X-Linked Classification Criteria (2023). Collection method: clinical testing. Allele origin: unknown.
Comment: This variant is considered benign. This variant is a silent/synonymous amino acid change and it is not expected to impact splicing.

Ambry Genetics
Classification: Likely benign for Hereditary cancer-predisposing syndrome. Last evaluated: 2015-08-31. Review status: criteria provided, single submitter. Criteria: Ambry Variant Classification Scheme 2023. Collection method: clinical testing. Allele origin: germline.

NM_000179.3(MSH6):c.1932G>A (p.Arg644=)

Gene: MSH6 (mutS homolog 6; plus strand). Cytogenetic location: 2p16.3.
Variant type: single nucleotide variant.
Coding change: c.1932G>A on transcript NM_000179.3 (MANE Select); coding-DNA position 1932, G replaced by A.
Protein change: p.Arg644=; no amino-acid change (arginine 644 retained).
Molecular consequence: synonymous variant.
Genome position (GRCh38, 1-based): chr2:47,799,915, G>A. VCF-style: chr2-47799915-G-A. GRCh37 (hg19) VCF-style: chr2-48027054-G-A.
Other names: c.1542G>A, p.Arg514= (NM_001281492.2); c.1026G>A, p.Arg342= (NM_001281493.2, NM_001281494.2).
Identifiers: ClinVar variation 233661 (VCV000233661.14), dbSNP rs34938432, ClinGen allele CA10578087.